The following is an entry in ClinVar:

NC_012920.1(MT-TY):m.5837G>A

Gene: MT-TY (mitochondrially encoded tRNA tyrosine; minus strand).
Variant type: single nucleotide variant.
Genome position: chrM-5837-G-A.
Identifiers: ClinVar variation 690010 (VCV000690010.1), dbSNP rs1603220147, ClinGen allele CA913180613.

ClinVar aggregate classification (germline): Uncertain significance (1 of 4 stars; one submission).

Conditions:
MELAS syndrome (MELAS). Also called: Juvenile myopathy, encephalopathy, lactic acidosis, stroke. Identifiers: Orphanet 550, MedGen C0162671, MONDO:0010789, OMIM 540000.

Submission:

Wong Mito Lab, Molecular and Human Genetics, Baylor College of Medicine
Classification: Uncertain significance for MELAS syndrome. Last evaluated: 2019-07-12. Review status: criteria provided, single submitter. Criteria: Modified ACMG Guidelines (Unpublished). Collection method: clinical testing. Allele origin: germline.
Comment: The NC_012920.1:m.5837G>A variant in MT-TY gene is interpreted to be a Unknown Significance variant based on the modified ACMG guidelines (unpublished). This variant meets the following evidence codes reported in the guidelines: PP3, PP7

Literature cited by the submitters: PubMed 31965079.